The following is an entry in ClinVar:

NM_015061.6(KDM4C):c.79C>G (p.Arg27Gly)

Gene: KDM4C (lysine demethylase 4C; plus strand). Cytogenetic location: 9p24.1.
Variant type: single nucleotide variant.
Coding change: c.79C>G on transcript NM_015061.6 (MANE Select); coding-DNA position 79, C replaced by G.
Protein change: p.Arg27Gly; replaces arginine 27 with glycine.
Molecular consequence: missense variant. On other transcripts: 5 prime UTR variant (4), non-coding transcript variant (5).
Genome position (GRCh38, 1-based): chr9:6,793,067, C>G. VCF-style: chr9-6793067-C-G. GRCh37 (hg19) VCF-style: chr9-6793067-C-G.
Other names: c.79C>G (NM_001353997.1); c.79C>G, p.Arg27Gly (NM_001146695.4, NM_001304339.4, NM_001304341.4 and 2 more transcripts); c.145C>G, p.Arg49Gly (NM_001146696.2); c.-289C>G (NM_001304340.4); c.-2157C>G (NM_001353999.3, NM_001354001.3); c.-1370C>G (NM_001354000.3); short protein forms R27G, R49G.
Identifiers: ClinVar variation 3533114 (VCV003533114.2).
Genomic context (GRCh38, chr9:6,793,067, plus strand): 5'-GAAAGTCCTCTGAACCCCAGCTGTAAGATAATGACCTTCAGACCCTCCATGGAGGAGTTC[C>G]GGGAGTTCAACAAATACCTTGCATACATGGAGTCTAAAGGAGCCCATCGTGCGGGTCTTG-3'
Protein context (NP_055876.2, residues 17-37): MTFRPSMEEF[Arg27Gly]EFNKYLAYME

ClinVar aggregate classification (germline): Uncertain significance. Review status: criteria provided, multiple submitters, no conflicts (2 of 4 stars). 2 submissions from 2 submitters: Uncertain significance (2). Last evaluated 2026-01-15.

Conditions:
KDM4C-related disorder. Also called: KDM4C-related condition.

gnomAD v4.1: 3 of 1,613,942 alleles (0.00019%); highest among the groups gnomAD compares: Admixed American, 0.0017%; no homozygotes.

Submissions (2):

PreventionGenetics, part of Exact Sciences
Classification: Uncertain significance for KDM4C-related condition. Last evaluated: 2026-01-15. Review status: criteria provided, single submitter. Criteria: ACMG Guidelines, 2015. Collection method: clinical testing. Allele origin: germline.
Comment: The KDM4C c.79C>G variant is predicted to result in the amino acid substitution p.Arg27Gly. To our knowledge, this variant has not been reported in the literature or in a large population database (gnomAD), indicating this variant is rare. At this time, the clinical significance of this variant is uncertain due to the absence of conclusive functional and genetic evidence.

Ambry Genetics
Classification: Uncertain significance. Last evaluated: 2024-08-27. Review status: criteria provided, single submitter. Criteria: Ambry Variant Classification Scheme 2023. Collection method: clinical testing. Allele origin: germline.